The following is an entry in ClinVar:

ClinVar aggregate classification (germline): Uncertain significance. Review status: criteria provided, multiple submitters, no conflicts (2 of 4 stars). 4 submissions from 4 submitters: Uncertain significance (4). Last evaluated 2025-10-15.

Conditions:
Familial adenomatous polyposis 1 (FAP1). Also called: POLYPOSIS, ADENOMATOUS INTESTINAL; FAMILIAL ADENOMATOUS POLYPOSIS 1, ATTENUATED. Identifiers: MedGen C2713442, MONDO:0021056, OMIM 175100. Disease mechanism: loss of function.
Hereditary cancer-predisposing syndrome. Also called: Hereditary Cancer Syndrome; Neoplastic Syndromes, Hereditary; Tumor predisposition; Hereditary neoplastic syndrome. Identifiers: Orphanet 140162, MedGen C0027672, MeSH D009386, MONDO:0015356.

Allele frequency attached by ClinVar (database versions not stated): ExAC 0.00001; gnomAD exomes 0.00001.
gnomAD v4.1: 15 of 1,613,956 alleles (0.00093%); highest among the groups gnomAD compares: Non-Finnish European, 0.0012%; no homozygotes.

Submissions (4):

Labcorp Genetics (formerly Invitae), Labcorp
Classification: Uncertain significance for Familial adenomatous polyposis 1. Last evaluated: 2025-10-15. Review status: criteria provided, single submitter. Criteria: Invitae Variant Classification Sherloc (09022015). Collection method: clinical testing. Allele origin: germline.
Comment: This sequence change replaces threonine, which is neutral and polar, with alanine, which is neutral and non-polar, at codon 1689 of the APC protein (p.Thr1689Ala). This variant is present in population databases (rs748577894, gnomAD 0.003%). This variant has not been reported in the literature in individuals affected with APC-related conditions. ClinVar contains an entry for this variant (Variation ID: 489462). Invitae Evidence Modeling of protein sequence and biophysical properties (such as structural, functional, and spatial information, amino acid conservation, physicochemical variation, residue mobility, and thermodynamic stability) indicates that this missense variant is not expected to disrupt APC protein function with a negative predictive value of 95%. In summary, the available evidence is currently insufficient to determine the role of this variant in disease. Therefore, it has been classified as a Variant of Uncertain Significance.

Ambry Genetics
Classification: Uncertain significance for Hereditary cancer-predisposing syndrome. Last evaluated: 2024-06-15. Review status: criteria provided, single submitter. Criteria: Ambry Variant Classification Scheme 2023. Collection method: clinical testing. Allele origin: germline.
Comment: The p.T1689A variant (also known as c.5065A>G), located in coding exon 15 of the APC gene, results from an A to G substitution at nucleotide position 5065. The threonine at codon 1689 is replaced by alanine, an amino acid with similar properties. This amino acid position is highly conserved in available vertebrate species. In addition, in silico predictors for this gene do not accurately predict pathogenicity. Since supporting evidence is limited at this time, the clinical significance of this alteration remains unclear.

Color Diagnostics, LLC DBA Color Health
Classification: Uncertain significance for Hereditary cancer-predisposing syndrome. Last evaluated: 2021-05-03. Review status: criteria provided, single submitter. Criteria: ACMG Guidelines, 2015. Collection method: clinical testing. Allele origin: germline.
Comment: This missense variant replaces threonine with alanine at codon 1689 of the APC protein. Computational prediction is inconclusive regarding the impact of this variant on protein structure and function (internally defined REVEL score threshold 0.5 < inconclusive < 0.7, PMID: 27666373). To our knowledge, functional studies have not been reported for this variant. This variant has not been reported in individuals affected with hereditary cancer in the literature. This variant has been identified in 3/249558 chromosomes in the general population by the Genome Aggregation Database (gnomAD). The available evidence is insufficient to determine the role of this variant in disease conclusively. Therefore, this variant is classified as a Variant of Uncertain Significance.

GeneDx
Classification: Uncertain significance. Last evaluated: 2019-12-16. Review status: criteria provided, single submitter. Criteria: GeneDx Variant Classification Process June 2021. Collection method: clinical testing. Allele origin: germline. Affected: yes.
Comment: In silico analysis, which includes protein predictors and evolutionary conservation, supports that this variant does not alter protein structure/function; Has not been previously published as pathogenic or benign to our knowledge; This variant is associated with the following publications: (PMID: 23700467)

NM_000038.6(APC):c.5065A>G (p.Thr1689Ala)

Gene: APC (APC regulator of Wnt signaling pathway; plus strand). Cytogenetic location: 5q22.2.
Variant type: single nucleotide variant.
Coding change: c.5065A>G on transcript NM_000038.6 (MANE Select); coding-DNA position 5065, A replaced by G.
Protein change: p.Thr1689Ala; replaces threonine 1689 with alanine.
Molecular consequence: missense variant.
Genome position (GRCh38, 1-based): chr5:112,840,659, A>G. VCF-style: chr5-112840659-A-G. GRCh37 (hg19) VCF-style: chr5-112176356-A-G.
Other names: c.5065A>G, p.Thr1689Ala (NM_001127510.3, NM_001354895.2); c.5011A>G, p.Thr1671Ala (NM_001127511.3); c.5119A>G, p.Thr1707Ala (NM_001354896.2); c.5095A>G, p.Thr1699Ala (NM_001354897.2); c.4990A>G, p.Thr1664Ala (NM_001354898.2); c.4981A>G, p.Thr1661Ala (NM_001354899.2); c.4942A>G, p.Thr1648Ala (NM_001354900.2); c.4888A>G, p.Thr1630Ala (NM_001354901.2); and 5 more; short protein forms T1671A, T1689A, T1648A, T1630A, T1664A, T1699A, T1406A, T1529A.
Identifiers: ClinVar variation 489462 (VCV000489462.21), dbSNP rs748577894, ClinGen allele CA040527.
Genomic context (GRCh38, chr5:112,840,659, plus strand): 5'-TTAGCTGCTGGAGAAGGAGTTAGAGGAGGGGCACAGTCAGGTGAATTTGAAAAACGAGAT[A>G]CCATTCCTACAGAAGGCAGAAGTACAGATGAGGCTCAAGGAGGAAAAACCTCATCTGTAA-3'
Protein context (NP_000029.2, residues 1679-1699): AQSGEFEKRD[Thr1689Ala]IPTEGRSTDE